The following is an entry in ClinVar:

ClinVar aggregate classification (germline): Uncertain significance (1 of 4 stars; one submission).

Allele frequency attached by ClinVar (database versions not stated): ExAC 0.00001; gnomAD exomes 0.00001 and 0.00002.
gnomAD v4.1: 5 of 1,614,174 alleles (0.00031%); highest among the groups gnomAD compares: Admixed American, 0.0067%; no homozygotes.

Submission:

Labcorp Genetics (formerly Invitae), Labcorp
Classification: Uncertain significance. Last evaluated: 2025-06-03. Review status: criteria provided, single submitter. Criteria: Invitae Variant Classification Sherloc (09022015). Collection method: clinical testing. Allele origin: germline.
Comment: This sequence change replaces glutamic acid, which is acidic and polar, with glycine, which is neutral and non-polar, at codon 2303 of the PRPF8 protein (p.Glu2303Gly). This variant is present in population databases (rs779481846, gnomAD 0.01%). This variant has not been reported in the literature in individuals affected with PRPF8-related conditions. ClinVar contains an entry for this variant (Variation ID: 1498152). Invitae Evidence Modeling of protein sequence and biophysical properties (such as structural, functional, and spatial information, amino acid conservation, physicochemical variation, residue mobility, and thermodynamic stability) indicates that this missense variant is not expected to disrupt PRPF8 protein function with a negative predictive value of 80%. In summary, the available evidence is currently insufficient to determine the role of this variant in disease. Therefore, it has been classified as a Variant of Uncertain Significance.

NM_006445.4(PRPF8):c.6908A>G (p.Glu2303Gly)

Gene: PRPF8 (pre-mRNA processing factor 8; minus strand). Cytogenetic location: 17p13.3.
Variant type: single nucleotide variant.
Coding change: c.6908A>G on transcript NM_006445.4 (MANE Select); coding-DNA position 6908, A replaced by G.
Protein change: p.Glu2303Gly; replaces glutamic acid 2303 with glycine.
Molecular consequence: missense variant.
Genome position (GRCh38, 1-based): chr17:1,650,902, T>C on the plus strand (A>G on the coding strand, the complement: PRPF8 is on the minus strand). VCF-style: chr17-1650902-T-C. GRCh37 (hg19) VCF-style: chr17-1554196-T-C.
Other names: short protein forms E2303G.
Identifiers: ClinVar variation 1498152 (VCV001498152.8), dbSNP rs779481846, ClinGen allele CA8271050.